The following is an entry in ClinVar:

ClinVar aggregate classification (germline): Pathogenic (1 of 4 stars; one submission).

Conditions:
Hereditary cancer-predisposing syndrome. Also called: Neoplastic Syndromes, Hereditary; Tumor predisposition; Hereditary Cancer Syndrome; Hereditary neoplastic syndrome. Identifiers: Orphanet 140162, MedGen C0027672, MeSH D009386, MONDO:0015356.

Submission:

Ambry Genetics
Classification: Pathogenic for Hereditary cancer-predisposing syndrome. Last evaluated: 2025-08-12. Review status: criteria provided, single submitter. Criteria: Ambry Variant Classification Scheme 2023. Collection method: clinical testing. Allele origin: germline.
Comment: The c.1987dupT pathogenic mutation, located in coding exon 7 of the AXIN2 gene, results from a duplication of T at nucleotide position 1987, causing a translational frameshift with a predicted alternate stop codon (p.W663Lfs*44). This variant has been identified in multiple colorectal cancer patients (Hansen MF et al. Clin Genet, 2017 Oct;92:405-414; Leclerc J et al. Genes Chromosomes Cancer, 2023 Apr;62:210-222; Broekema MF et al. Hered Cancer Clin Pract, 2023 Aug;21:16). This variant is considered to be rare based on population cohorts in the Genome Aggregation Database (gnomAD). This alteration is expected to result in loss of function by premature protein truncation or nonsense-mediated mRNA decay. As such, this alteration is interpreted as a disease-causing mutation.

Literature cited by the submitters: PubMed 28195393; PubMed 36502525; PubMed 37626374.

NM_004655.4(AXIN2):c.1987dup (p.Trp663fs)

Gene: AXIN2 (axin 2; minus strand). Cytogenetic location: 17q24.1.
Variant type: Duplication.
Coding change: c.1987dup on transcript NM_004655.4 (MANE Select); coding-DNA position 1987, one base duplicated (T; older notation c.1987dupT).
Protein change: p.Trp663fs; shifts the reading frame from tryptophan 663.
Molecular consequence: frameshift variant.
Genome position (GRCh38, 1-based): chr17:65,536,474, A duplicated on the plus strand (T on the coding strand, the reverse complement: AXIN2 is on the minus strand). VCF-style (leftmost placement, unchanged base first): chr17-65536473-C-CA. GRCh37 (hg19) VCF-style: chr17-63532591-C-CA.
Other names: c.1987dupT (NM_004655.3); c.1792dup, p.Trp598fs (NM_001363813.1); short protein forms W598fs, W663fs.
Identifiers: ClinVar variation 4188309 (VCV004188309.1).
Genomic context (GRCh38, chr17:65,536,473, plus strand): 5'-GGGTCCTGGGTGAACAGGTGGGCACGGGGGGTGGTGCGGGGGTGCCCGCTGTTGCCCCCC[C>CA]ACAGATGGTGCCGGCTGGCTCGTTCGCCTGGAGACGAGCGGGCAGACTCCAAGGGGTAGG-3'